The following is an entry in ClinVar:

ClinVar aggregate classification (germline): Uncertain significance (1 of 4 stars; one submission).

Submission:

Labcorp Genetics (formerly Invitae), Labcorp
Classification: Uncertain significance. Last evaluated: 2026-01-07. Review status: criteria provided, single submitter. Criteria: Invitae Variant Classification Sherloc (09022015). Collection method: clinical testing. Allele origin: germline.
Comment: This sequence change replaces lysine, which is basic and polar, with methionine, which is neutral and non-polar, at codon 1259 of the NALCN protein (p.Lys1259Met). This variant is not present in population databases (gnomAD no frequency). This variant has not been reported in the literature in individuals affected with NALCN-related conditions. Invitae Evidence Modeling of protein sequence and biophysical properties (such as structural, functional, and spatial information, amino acid conservation, physicochemical variation, residue mobility, and thermodynamic stability) indicates that this missense variant is expected to disrupt NALCN protein function with a positive predictive value of 80%. In summary, the available evidence is currently insufficient to determine the role of this variant in disease. Therefore, it has been classified as a Variant of Uncertain Significance.

NM_052867.4(NALCN):c.3776A>T (p.Lys1259Met)

Gene: NALCN (sodium leak channel, non-selective; minus strand). Cytogenetic location: 13q32.3.
Variant type: single nucleotide variant.
Coding change: c.3776A>T on transcript NM_052867.4 (MANE Select); coding-DNA position 3776, A replaced by T.
Protein change: p.Lys1259Met; replaces lysine 1259 with methionine.
Molecular consequence: missense variant.
Genome position (GRCh38, 1-based): chr13:101,081,636, T>A on the plus strand (A>T on the coding strand, the complement: NALCN is on the minus strand). VCF-style: chr13-101081636-T-A. GRCh37 (hg19) VCF-style: chr13-101733987-T-A.
Other names: c.3863A>T, p.Lys1288Met (NM_001350748.2); c.3776A>T, p.Lys1259Met (NM_001350749.2); c.3689A>T, p.Lys1230Met (NM_001350750.2, NM_001350751.2); short protein forms K1230M, K1259M, K1288M.
Identifiers: ClinVar variation 4742934 (VCV004742934.1).